The following is an entry in ClinVar:

ClinVar aggregate classification (germline): Uncertain significance (1 of 4 stars; one submission).

Conditions:
Hereditary cancer-predisposing syndrome. Also called: Neoplastic Syndromes, Hereditary; Tumor predisposition; Hereditary neoplastic syndrome; Hereditary Cancer Syndrome. Identifiers: Orphanet 140162, MedGen C0027672, MeSH D009386, MONDO:0015356.

Submission:

Ambry Genetics
Classification: Uncertain significance for Hereditary cancer-predisposing syndrome. Last evaluated: 2026-07-06. Review status: criteria provided, single submitter. Criteria: Ambry Variant Classification Scheme 2023. Collection method: clinical testing. Allele origin: germline.
Comment: The p.V1711A variant (also known as c.5132T>C), located in coding exon 10 of the BRCA2 gene, results from a T to C substitution at nucleotide position 5132. The valine at codon 1711 is replaced by alanine, an amino acid with similar properties. This amino acid position is conserved. In addition, this alteration is predicted to be tolerated by in silico analysis. Based on the available evidence, the clinical significance of this variant remains unclear.

NM_000059.4(BRCA2):c.5132T>C (p.Val1711Ala)

Gene: BRCA2 (BRCA2 DNA repair associated; plus strand). Cytogenetic location: 13q13.1.
Variant type: single nucleotide variant.
Coding change: c.5132T>C on transcript NM_000059.4 (MANE Select); coding-DNA position 5132, T replaced by C.
Protein change: p.Val1711Ala; replaces valine 1711 with alanine.
Molecular consequence: missense variant. On other transcripts: non-coding transcript variant (1), intron variant (2).
Genome position (GRCh38, 1-based): chr13:32,339,487, T>C. VCF-style: chr13-32339487-T-C. GRCh37 (hg19) VCF-style: chr13-32913624-T-C.
Other names: c.5132T>C, p.Val1711Ala (NM_001406719.1, NM_001406720.1, NM_001432077.1); c.1910-5071T>C (NM_001406721.1); c.425-5071T>C (NM_001406722.1); short protein forms V1711A.
Identifiers: ClinVar variation 5033274 (VCV005033274.1).